The following is an entry in ClinVar:

ClinVar aggregate classification (germline): Uncertain significance (1 of 4 stars; one submission).

Conditions:
Immunodeficiency, common variable, 10. Also called: IMMUNODEFICIENCY, COMMON VARIABLE, WITH CENTRAL ADRENAL INSUFFICIENCY; DEFICIT IN ANTERIOR PITUITARY FUNCTION AND VARIABLE IMMUNODEFICIENCY. Identifiers: MedGen C3809991, MONDO:0014260, OMIM 615577.

Submission:

Labcorp Genetics (formerly Invitae), Labcorp
Classification: Uncertain significance for Immunodeficiency, common variable, 10. Last evaluated: 2020-10-18. Review status: criteria provided, single submitter. Criteria: Invitae Variant Classification Sherloc (09022015). Collection method: clinical testing. Allele origin: germline.
Comment: In summary, the available evidence is currently insufficient to determine the role of this variant in disease. Therefore, it has been classified as a Variant of Uncertain Significance. Algorithms developed to predict the effect of missense changes on protein structure and function are either unavailable or do not agree on the potential impact of this missense change (SIFT: "Tolerated"; PolyPhen-2: "Possibly Damaging"; Align-GVGD: "Class C0"). This variant has not been reported in the literature in individuals with NFKB2-related conditions. This variant is not present in population databases (ExAC no frequency). This sequence change replaces glycine with alanine at codon 366 of the NFKB2 protein (p.Gly366Ala). The glycine residue is moderately conserved and there is a small physicochemical difference between glycine and alanine.

NM_001322934.2(NFKB2):c.1097G>C (p.Gly366Ala)

Gene: NFKB2 (nuclear factor kappa B subunit 2; plus strand). Cytogenetic location: 10q24.32.
Variant type: single nucleotide variant.
Coding change: c.1097G>C on transcript NM_001322934.2 (MANE Select); coding-DNA position 1097, G replaced by C.
Protein change: p.Gly366Ala; replaces glycine 366 with alanine.
Molecular consequence: missense variant. On other transcripts: intron variant (1).
Genome position (GRCh38, 1-based): chr10:102,398,844, G>C. VCF-style: chr10-102398844-G-C. GRCh37 (hg19) VCF-style: chr10-104158601-G-C.
Other names: c.1097G>C, p.Gly366Ala (NM_001077494.3, NM_001261403.3, NM_001288724.1 and 1 more transcripts); c.991+321G>C (NM_001322935.1); short protein forms G366A.
Identifiers: ClinVar variation 1063667 (VCV001063667.9), dbSNP rs747854969, ClinGen allele CA377898227.
Genomic context (GRCh38, chr10:102,398,844, plus strand): 5'-TCTCCCAGCCCTTCGGGGGTGGCTCCCACATGGGTGGAGGCTCTGGGGGTGCAGCCGGGG[G>C]CTACGGAGGAGCTGGAGGAGGTGAGGGGGTACTGATGGAGGGAGGGGTAAAGGTAAGAGA-3'
Protein context (NP_001309863.1, residues 356-376): MGGGSGGAAG[Gly366Ala]YGGAGGGGSL